The following is an entry in ClinVar:

NM_000256.3(MYBPC3):c.505+1G>T

Gene: MYBPC3 (myosin binding protein C3; minus strand). Cytogenetic location: 11p11.2.
Variant type: single nucleotide variant.
Coding change: c.505+1G>T on transcript NM_000256.3 (MANE Select); the canonical splice donor site of the intron after coding-DNA position 505, G replaced by T.
Molecular consequence: splice donor variant.
Genome position (GRCh38, 1-based): chr11:47,350,013, C>A on the plus strand (G>T on the coding strand, the complement: MYBPC3 is on the minus strand). VCF-style: chr11-47350013-C-A. GRCh37 (hg19) VCF-style: chr11-47371564-C-A.
Identifiers: ClinVar variation 2091607 (VCV002091607.4), dbSNP rs730880620, ClinGen allele CA380338331.

ClinVar aggregate classification (germline): Likely pathogenic (1 of 4 stars; one submission).

Conditions:
Hypertrophic cardiomyopathy. Also called: HYPERTROPHIC MYOCARDIOPATHY. Identifiers: Orphanet 217569, MedGen C0007194, MeSH D002312, MONDO:0005045, HP:0001639.

Submission:

Labcorp Genetics (formerly Invitae), Labcorp
Classification: Likely pathogenic for Hypertrophic cardiomyopathy. Last evaluated: 2025-10-21. Review status: criteria provided, single submitter. Criteria: Invitae Variant Classification Sherloc (09022015). Collection method: clinical testing. Allele origin: germline.
Comment: This sequence change affects a donor splice site in intron 4 of the MYBPC3 gene. It is expected to disrupt RNA splicing. Variants that disrupt the donor or acceptor splice site typically lead to a loss of protein function (PMID: 16199547), and loss-of-function variants in MYBPC3 are known to be pathogenic (PMID: 19574547). This variant is not present in population databases (gnomAD no frequency). Disruption of this splice site has been observed in individual(s) with hypertrophic cardiomyopathy and/or MYBPC3-related conditions (PMID: 32841044, 34076677, 35626289). ClinVar contains an entry for this variant (Variation ID: 2091607). Algorithms developed to predict the effect of sequence changes on RNA splicing suggest that this variant may disrupt the consensus splice site. In summary, the currently available evidence indicates that the variant is pathogenic, but additional data are needed to prove that conclusively. Therefore, this variant has been classified as Likely Pathogenic.

Literature cited by the submitters: PubMed 16199547; PubMed 19574547; PubMed 32841044; PubMed 34076677; PubMed 35626289.